The following is an entry in ClinVar:

ClinVar aggregate classification (germline): Likely benign (1 of 4 stars; one submission).

Allele frequency attached by ClinVar (database versions not stated): gnomAD exomes below 0.00001; TOPMed below 0.00001; ExAC 0.00001.
gnomAD v4.1: 1 of 1,614,158 alleles (0.000062%); highest among the groups gnomAD compares: African/African-American, 0.0013%; no homozygotes.

Submission:

CeGaT Center for Human Genetics Tuebingen
Classification: Likely benign. Last evaluated: 2022-03-01. Review status: criteria provided, single submitter. Criteria: CeGaT Center For Human Genetics Tuebingen Variant Classification Criteria Version 2. Collection method: clinical testing. Allele origin: germline. Affected: yes. Observed: 1 variant allele.
Comment: C10orf12: BP4, BP7; LCOR: BP4, BP7

NM_001346516.2(LCOR):c.2811T>G (p.Ala937=)

Genes: C10orf12 (chromosome 10 open reading frame 12; plus strand), LCOR (ligand dependent nuclear receptor corepressor; plus strand). Cytogenetic location: 10q24.1.
Variant type: single nucleotide variant.
Coding change: c.2811T>G on transcript NM_001346516.2 (MANE Select); coding-DNA position 2811, T replaced by G.
Protein change: p.Ala937=; no amino-acid change (alanine 937 retained).
Molecular consequence: synonymous variant.
Genome position (GRCh38, 1-based): chr10:96,983,271, T>G. VCF-style: chr10-96983271-T-G. GRCh37 (hg19) VCF-style: chr10-98743028-T-G.
Identifiers: ClinVar variation 2640730 (VCV002640730.24), dbSNP rs768983264, ClinGen allele CA5627245.
Genomic context (GRCh38, chr10:96,983,271, plus strand): 5'-CAAAGAAGTCAAGGAGTTACGAGGAGAGATTTTCCCCAGCAGGGACCCCATAACCACAGC[T>G]GGACAGCCACTGCCTGGAGAGAGATTGGAAATCTATGTTCAGTCTAAAATGGATGAGAAG-3'
Protein context (NP_001333445.1, residues 927-947): IFPSRDPITT[Ala937=]GQPLPGERLE